The following is an entry in ClinVar:

ClinVar aggregate classification (germline): Conflicting classifications of pathogenicity. Review status: criteria provided, conflicting classifications (1 of 4 stars). 4 submissions from 4 submitters: Uncertain significance (3); Likely benign (1). Last evaluated 2026-01-26.

Conditions:
Hereditary cancer-predisposing syndrome. Also called: Hereditary Cancer Syndrome; Neoplastic Syndromes, Hereditary; Tumor predisposition; Hereditary neoplastic syndrome. Identifiers: Orphanet 140162, MedGen C0027672, MeSH D009386, MONDO:0015356.
Lynch syndrome. Identifiers: Orphanet 144, MedGen C4552100, MONDO:0005835. Disease mechanism: loss of function.
Hereditary nonpolyposis colorectal neoplasms. Identifiers: MedGen C0009405, MeSH D003123.

Allele frequency attached by ClinVar (database versions not stated): TOPMed 0.00001.
gnomAD v4.1: 8 of 1,610,314 alleles (0.0005%); highest among the groups gnomAD compares: African/African-American, 0.004%; no homozygotes.

Submissions (4):

Labcorp Genetics (formerly Invitae), Labcorp
Classification: Likely benign for Hereditary nonpolyposis colorectal neoplasms. Last evaluated: 2026-01-26. Review status: criteria provided, single submitter. Criteria: Invitae Variant Classification Sherloc (09022015). Collection method: clinical testing. Allele origin: germline.

All of Us Research Program, National Institutes of Health
Classification: Uncertain significance for Lynch syndrome. Last evaluated: 2024-03-25. Review status: criteria provided, single submitter. Criteria: ACMG Guidelines, 2015. Collection method: clinical testing. Allele origin: germline. Inheritance: Autosomal dominant inheritance. Observed: 1 variant allele, 1 heterozygote.
Comment: This study involves interpretation of variants in research participants for the purpose of population health screening. Participant phenotype was not available at the time of variant classification. Additional details can be found in publication PMID: 35346344, PMCID: PMC8962531

Ambry Genetics
Classification: Uncertain significance for Hereditary cancer-predisposing syndrome. Last evaluated: 2023-12-18. Review status: criteria provided, single submitter. Criteria: Ambry Variant Classification Scheme 2023. Collection method: clinical testing. Allele origin: germline.
Comment: The p.I1054M variant (also known as c.3162C>G), located in coding exon 4 of the MSH6 gene, results from a C to G substitution at nucleotide position 3162. The isoleucine at codon 1054 is replaced by methionine, an amino acid with highly similar properties. This amino acid position is not well conserved in available vertebrate species. In addition, this alteration is predicted to be tolerated by in silico analysis. Since supporting evidence is limited at this time, the clinical significance of this alteration remains unclear.

Color Diagnostics, LLC DBA Color Health
Classification: Uncertain significance for Hereditary cancer-predisposing syndrome. Last evaluated: 2018-09-19. Review status: criteria provided, single submitter. Criteria: ACMG Guidelines, 2015. Collection method: clinical testing. Allele origin: germline.

NM_000179.3(MSH6):c.3162C>G (p.Ile1054Met)

Gene: MSH6 (mutS homolog 6; plus strand). Cytogenetic location: 2p16.3.
Variant type: single nucleotide variant.
Coding change: c.3162C>G on transcript NM_000179.3 (MANE Select); coding-DNA position 3162, C replaced by G.
Protein change: p.Ile1054Met; replaces isoleucine 1054 with methionine.
Molecular consequence: missense variant.
Genome position (GRCh38, 1-based): chr2:47,801,145, C>G. VCF-style: chr2-47801145-C-G. GRCh37 (hg19) VCF-style: chr2-48028284-C-G.
Other names: c.2772C>G, p.Ile924Met (NM_001281492.2); c.2256C>G, p.Ile752Met (NM_001281493.2, NM_001281494.2); short protein forms I1054M, I924M, I752M.
Identifiers: ClinVar variation 479881 (VCV000479881.17), dbSNP rs149605979, ClinGen allele CA070144.